The following is an entry in ClinVar:

NM_001042492.3(NF1):c.4231del (p.Leu1411fs)

Gene: NF1 (neurofibromin 1; plus strand). Cytogenetic location: 17q11.2.
Variant type: Deletion.
Coding change: c.4231del on transcript NM_001042492.3 (MANE Select); coding-DNA position 4231, one base deleted (C; older notation c.4231delC).
Protein change: p.Leu1411fs; shifts the reading frame from leucine 1411.
Molecular consequence: frameshift variant.
Genome position (GRCh38, 1-based): chr17:31,258,401, C deleted; the last of 2 consecutive C bases (chr17:31,258,400-31,258,401); deleting either gives the same sequence. VCF-style (leftmost placement, unchanged base first): chr17-31258399-TC-T. GRCh37 (hg19) VCF-style: chr17-29585417-TC-T.
Other names: c.4168delC (NM_000267.3); c.4168delC, p.Leu1390Serfs (NM_000267.4); short protein forms L1390fs, L1411fs.
Identifiers: ClinVar variation 1738387 (VCV001738387.3), dbSNP rs2508408412, ClinGen allele CA2580092874.

ClinVar aggregate classification (germline): Pathogenic/Likely pathogenic. Review status: criteria provided, multiple submitters, no conflicts (2 of 4 stars). 2 submissions from 2 submitters: Pathogenic (1); Likely pathogenic (1). Last evaluated 2020-10-29.

Conditions:
NF1-related disorder. Also called: NF1-related condition. Identifiers: MedGen CN379171.
Cardiovascular phenotype. Identifiers: MedGen CN230736.
Hereditary cancer-predisposing syndrome. Also called: Hereditary Cancer Syndrome; Hereditary neoplastic syndrome; Neoplastic Syndromes, Hereditary; Tumor predisposition. Identifiers: Orphanet 140162, MedGen C0027672, MeSH D009386, MONDO:0015356.

Submissions (2):

Ambry Genetics
Classification: Pathogenic for Cardiovascular phenotype; Hereditary cancer-predisposing syndrome. Last evaluated: 2020-10-29. Review status: criteria provided, single submitter. Criteria: Ambry Variant Classification Scheme 2023. Collection method: clinical testing. Allele origin: germline.
Comment: The c.4168delC pathogenic mutation, located in coding exon 31 of the NF1 gene, results from a deletion of one nucleotide at nucleotide position 4168, causing a translational frameshift with a predicted alternate stop codon (p.L1390Sfs*17).This mutation was reported in a severe neurofibromatosis type 1 case (Giugliano T et al. Genes (Basel), 2019 07;10:[Epub ahead of print]). In addition to the clinical data presented in the literature, this alteration is expected to result in loss of function by premature protein truncation or nonsense-mediated mRNA decay. As such, this alteration is interpreted as a disease-causing mutation.

Blueprint Genetics
Classification: Likely pathogenic for NF1-related disorders. Last evaluated: 2018-12-11. Review status: criteria provided, single submitter. Criteria: ACMG Guidelines, 2015. Collection method: clinical testing. Allele origin: germline. Affected: yes. Observed: 1 variant allele.